The following is an entry in ClinVar:

NM_000466.3(PEX1):c.3583_3584delinsG (p.Gln1195fs)

Genes: GATAD1 (GATA zinc finger domain containing 1; plus strand), PEX1 (peroxisomal biogenesis factor 1; minus strand). Cytogenetic location: 7q21.2.
Variant type: Indel.
Coding change: c.3583_3584delinsG on transcript NM_000466.3 (MANE Select); coding-DNA positions 3583 to 3584, CA replaced by G.
Protein change: p.Gln1195fs; shifts the reading frame from glutamine 1195.
Molecular consequence: frameshift variant.
Genome position (GRCh38, 1-based): chr7:92,489,766-92,489,767, TG replaced by C on the plus strand (CA replaced by G on the coding strand, the reverse complement: PEX1 is on the minus strand). VCF-style: chr7-92489766-TG-C. GRCh37 (hg19) VCF-style: chr7-92119080-TG-C.
Other names: c.3412_3413delinsG, p.Gln1138fs (NM_001282677.2); c.2959_2960delinsG, p.Gln987fs (NM_001282678.2); short protein forms Q1195fs, Q987fs, Q1138fs.
Identifiers: ClinVar variation 5002265 (VCV005002265.1).
Genomic context (GRCh38, chr7:92,489,766, plus strand): 5'-AGCCATACTCCACTTTGGCTCCGGTATCTGCCTTTGATAATACTGATATCTGCCCTCAGT[TG>C]ATCTCTTTGTTCTTGTGTAAGTTCTTGGCAACCCTCTTGTGAAGCTGTCCTTAACACTGG-3'

ClinVar aggregate classification (germline): Likely pathogenic (1 of 4 stars; one submission).

Conditions:
PEX1-related disorder. Also called: PEX1-related condition.

Submission:

PreventionGenetics, part of Exact Sciences
Classification: Likely pathogenic for PEX1-related condition. Last evaluated: 2025-03-31. Review status: criteria provided, single submitter. Criteria: ACMG Guidelines, 2015. Collection method: clinical testing. Allele origin: germline.
Comment: The PEX1 c.3583_3584delinsG variant is predicted to result in a frameshift and premature protein termination (p.Gln1195Aspfs*2). To our knowledge, this variant has not been reported in the literature or in a large population database (gnomAD), indicating this variant is rare. Frameshift variants in PEX1 are expected to be pathogenic. This variant is interpreted as likely pathogenic.